The following is an entry in ClinVar:

NM_007294.4(BRCA1):c.1620G>C (p.Glu540Asp)

Gene: BRCA1 (BRCA1 DNA repair associated; minus strand). Cytogenetic location: 17q21.31.
Variant type: single nucleotide variant.
Coding change: c.1620G>C on transcript NM_007294.4 (MANE Select); coding-DNA position 1620, G replaced by C.
Protein change: p.Glu540Asp; replaces glutamic acid 540 with aspartic acid.
Molecular consequence: missense variant. On other transcripts: intron variant (137).
Genome position (GRCh38, 1-based): chr17:43,093,911, C>G on the plus strand (G>C on the coding strand, the complement: BRCA1 is on the minus strand). VCF-style: chr17-43093911-C-G. GRCh37 (hg19) VCF-style: chr17-41245928-C-G.
Other names: c.1476G>C, p.Glu492Asp (NM_001407964.1, NM_001407740.1, NM_001407741.1 and 20 more transcripts); c.1620G>C, p.Glu540Asp (NM_001407593.1, NM_001407602.1, NM_001407598.1 and 30 more transcripts); c.646+833G>C (NM_001408458.1, NM_001408469.1, NM_001408453.1 and 11 more transcripts); c.732G>C, p.Glu244Asp (NM_001407967.1, NM_001407966.1); c.1479G>C, p.Glu493Asp (NM_007297.4, NM_001407697.1, NM_001407698.1 and 29 more transcripts); c.1116G>C, p.Glu372Asp (NM_001407965.1); c.1407G>C, p.Glu469Asp (NM_001407853.1, NM_001407894.1, NM_001407895.1 and 9 more transcripts); c.1617G>C, p.Glu539Asp (NM_001407860.1, NM_001407861.1, NM_001407587.1 and 22 more transcripts); and 40 more; short protein forms E540D, E493D, E412D, E472D, E499D, E537D, E372D, E413D.
Identifiers: ClinVar variation 531310 (VCV000531310.15), dbSNP rs1555591465, ClinGen allele CA10598803.

ClinVar aggregate classification (germline): Conflicting classifications of pathogenicity. Review status: criteria provided, conflicting classifications (1 of 4 stars). 3 submissions from 3 submitters: Uncertain significance (2); Likely benign (1). Last evaluated 2025-12-11.

Conditions:
Hereditary breast ovarian cancer syndrome. Also called: Hereditary breast and ovarian cancer syndrome (HBOC); BRCA1- and BRCA2-Associated Hereditary Breast and Ovarian Cancer; Hereditary breast and ovarian cancer syndrome; Breast and ovarian cancer; Hereditary breast and ovarian cancer; Hereditary breast and/or ovarian cancer syndrome. Identifiers: Orphanet 145, MedGen C0677776, MeSH D061325, MONDO:0003582. Disease mechanism: loss of function.
Hereditary cancer-predisposing syndrome. Also called: Hereditary neoplastic syndrome; Neoplastic Syndromes, Hereditary; Tumor predisposition; Hereditary Cancer Syndrome. Identifiers: Orphanet 140162, MedGen C0027672, MeSH D009386, MONDO:0015356.

Submissions (3):

Ambry Genetics
Classification: Uncertain significance for Hereditary cancer-predisposing syndrome. Last evaluated: 2025-12-11. Review status: criteria provided, single submitter. Criteria: Ambry Variant Classification Scheme 2023. Collection method: clinical testing. Allele origin: germline.
Comment: The p.E540D variant (also known as c.1620G>C), located in coding exon 9 of the BRCA1 gene, results from a G to C substitution at nucleotide position 1620. The glutamic acid at codon 540 is replaced by aspartic acid, an amino acid with highly similar properties. This amino acid position is not well conserved in available vertebrate species. In addition, the in silico prediction for this alteration is inconclusive. Since supporting evidence is limited at this time, the clinical significance of this alteration remains unclear.

Labcorp Genetics (formerly Invitae), Labcorp
Classification: Uncertain significance for Hereditary breast ovarian cancer syndrome. Last evaluated: 2025-05-18. Review status: criteria provided, single submitter. Criteria: Invitae Variant Classification Sherloc (09022015). Collection method: clinical testing. Allele origin: germline.
Comment: This sequence change replaces glutamic acid, which is acidic and polar, with aspartic acid, which is acidic and polar, at codon 540 of the BRCA1 protein (p.Glu540Asp). This variant is not present in population databases (gnomAD no frequency). This variant has not been reported in the literature in individuals affected with BRCA1-related conditions. ClinVar contains an entry for this variant (Variation ID: 531310). Invitae Evidence Modeling of protein sequence and biophysical properties (such as structural, functional, and spatial information, amino acid conservation, physicochemical variation, residue mobility, and thermodynamic stability) indicates that this missense variant is not expected to disrupt BRCA1 protein function with a negative predictive value of 80%. In summary, the available evidence is currently insufficient to determine the role of this variant in disease. Therefore, it has been classified as a Variant of Uncertain Significance.

University of Washington Department of Laboratory Medicine, University of Washington
Classification: Likely benign for Hereditary cancer-predisposing syndrome. Last evaluated: 2023-03-23. Review status: criteria provided, single submitter. Criteria: Dines et al. (Genet Med. 2020). Collection method: curation. Allele origin: germline.
Comment: Missense variant in a coldspot region where missense variants are very unlikely to be pathogenic (PMID:31911673).

BRCA1 coldspot (exon 11 using historical exon numbering). Reclassification based on statistical prior probability